The following is an entry in ClinVar:

ClinVar aggregate classification (germline): Uncertain significance (1 of 4 stars; one submission).

Conditions:
Epilepsy, familial focal, with variable foci 3 (FFEVF3). Identifiers: MedGen C4310708, MONDO:0014925, OMIM 617118.

Submission:

Labcorp Genetics (formerly Invitae), Labcorp
Classification: Uncertain significance for Epilepsy, familial focal, with variable foci 3. Last evaluated: 2024-05-15. Review status: criteria provided, single submitter. Criteria: Invitae Variant Classification Sherloc (09022015). Collection method: clinical testing. Allele origin: germline.
Comment: This sequence change falls in intron 11 of the NPRL3 gene. It does not directly change the encoded amino acid sequence of the NPRL3 protein. It affects a nucleotide within the consensus splice site. This variant is not present in population databases (gnomAD no frequency). This variant has not been reported in the literature in individuals affected with NPRL3-related conditions. Variants that disrupt the consensus splice site are a relatively common cause of aberrant splicing (PMID: 17576681, 9536098). Algorithms developed to predict the effect of sequence changes on RNA splicing suggest that this variant may disrupt the consensus splice site. In summary, the available evidence is currently insufficient to determine the role of this variant in disease. Therefore, it has been classified as a Variant of Uncertain Significance.

Literature cited by the submitters: PubMed 17576681; PubMed 9536098.

NM_001077350.3(NPRL3):c.1161+6T>C

Genes: HBA-LCR (alpha-globin locus control region; plus strand), NPRL3 (NPR3 like, GATOR1 complex subunit; minus strand). Cytogenetic location: 16p13.3.
Variant type: single nucleotide variant.
Coding change: c.1161+6T>C on transcript NM_001077350.3 (MANE Select); 6 bases into the intron after coding-DNA position 1161, T replaced by C.
Molecular consequence: intron variant.
Genome position (GRCh38, 1-based): chr16:92,590, A>G on the plus strand (T>C on the coding strand, the complement: NPRL3 is on the minus strand). VCF-style: chr16-92590-A-G. GRCh37 (hg19) VCF-style: chr16-142588-A-G.
Other names: c.927+6T>C (NM_001243247.2); c.1086+6T>C (NM_001243248.2, NM_001243249.2); c.624+6T>C (NM_001039476.3).
Identifiers: ClinVar variation 2733315 (VCV002733315.3), dbSNP rs2542810527, ClinGen allele CA2697549426.
Genomic context (GRCh38, chr16:92,590, plus strand): 5'-CCAGGCAGGTAGTGCCTATCCACTACACACCTGCCACTCTGGGCTCCTTGAGCTTCTGTG[A>G]CTCACCTCCTGCACAGCGGGGGCCAGGGGATTCCTAAATTCTGACAAGGAGACCGGCAAG-3'